The following is an entry in ClinVar:

ClinVar aggregate classification (germline): Uncertain significance (1 of 4 stars; one submission).

Submission:

Dasa
Classification: Uncertain significance. Last evaluated: 2025-08-21. Review status: criteria provided, single submitter. Criteria: DASA Assertion Criteria. Collection method: clinical testing. Allele origin: germline.
Comment: NM_001035.3(RYR2):c.9185A>T (p.Asp3062Val) is a missense variant that results in the substitution of aspartic acid with valine. This variant is rare in population databases. The currently available literature and clinical evidence are not sufficient to establish a definitive association between this variant and the reported condition. Therefore, this variant is classified as a variant of uncertain significance.

NM_001035.3(RYR2):c.9185A>T (p.Asp3062Val)

Gene: RYR2 (ryanodine receptor 2; plus strand). Cytogenetic location: 1q43.
Variant type: single nucleotide variant.
Coding change: c.9185A>T on transcript NM_001035.3 (MANE Select); coding-DNA position 9185, A replaced by T.
Protein change: p.Asp3062Val; replaces aspartic acid 3062 with valine.
Molecular consequence: missense variant.
Genome position (GRCh38, 1-based): chr1:237,700,285, A>T. VCF-style: chr1-237700285-A-T. GRCh37 (hg19) VCF-style: chr1-237863585-A-T.
Other names: short protein forms D3062V.
Identifiers: ClinVar variation 5020881 (VCV005020881.1).
Genomic context (GRCh38, chr1:237,700,285, plus strand): 5'-CTAGGACAGTGATGAAGACTGGCCTGGAGAGTGTTAAAAGTGCACTCAGAGCTTTTCTGG[A>T]CAACGCTGCAGAGGATCTGGAGAAGACCATGGAAAACCTCAAGCAGGGCCAGTTCACTCA-3'
Protein context (NP_001026.2, residues 3052-3072): SVKSALRAFL[Asp3062Val]NAAEDLEKTM